The following is an entry in ClinVar:

ClinVar aggregate classification (germline): Uncertain significance (1 of 4 stars; one submission).

Conditions:
Familial thoracic aortic aneurysm and aortic dissection (TAAD). Also called: Thoracic aortic aneurysms and dissections. Identifiers: Orphanet 91387, MedGen C4707243, MONDO:0019625.

Allele frequency attached by ClinVar (database versions not stated): TOPMed 0.00001; gnomAD 0.00002.
gnomAD v4.1: 22 of 1,614,010 alleles (0.0014%); highest among the groups gnomAD compares: East Asian, 0.0022%; no homozygotes.

Submission:

Ambry Genetics
Classification: Uncertain significance for Familial thoracic aortic aneurysm and aortic dissection. Last evaluated: 2023-01-05. Review status: criteria provided, single submitter. Criteria: Ambry Variant Classification Scheme 2023. Collection method: clinical testing. Allele origin: germline.
Comment: The p.G1953S variant (also known as c.5857G>A), located in coding exon 40 of the MYH11 gene, results from a G to A substitution at nucleotide position 5857. The glycine at codon 1953 is replaced by serine, an amino acid with similar properties. This amino acid position is conserved. In addition, this alteration is predicted to be tolerated by in silico analysis. Since supporting evidence is limited at this time, the clinical significance of this alteration remains unclear.

NM_002474.3(MYH11):c.5857G>A (p.Gly1953Ser)

Genes: NDE1 (nudE neurodevelopment protein 1; plus strand), MYH11 (myosin heavy chain 11; minus strand). Cytogenetic location: 16p13.11.
Variant type: single nucleotide variant.
Coding change: c.5857G>A on transcript NM_002474.3 (MANE Select); coding-DNA position 5857, G replaced by A.
Protein change: p.Gly1953Ser; replaces glycine 1953 with serine.
Molecular consequence: missense variant. On other transcripts: 3 prime UTR variant (2), intron variant (2).
Genome position (GRCh38, 1-based): chr16:15,704,053, C>T on the plus strand (G>A on the coding strand, the complement: MYH11 is on the minus strand). VCF-style: chr16-15704053-C-T. GRCh37 (hg19) VCF-style: chr16-15797910-C-T.
Other names: c.*79G>A (NM_001040113.2, NM_022844.3); c.5878G>A, p.Gly1960Ser (NM_001040114.2); c.947+7193C>T (NM_001143979.2, NM_017668.3); short protein forms G1960S, G1953S.
Identifiers: ClinVar variation 2496682 (VCV002496682.2), dbSNP rs776407200, ClinGen allele CA7921050.